The following is an entry in ClinVar:

NM_001260.3(CDK8):c.708T>G (p.Cys236Trp)

Gene: CDK8 (cyclin dependent kinase 8; plus strand). Cytogenetic location: 13q12.13.
Variant type: single nucleotide variant.
Coding change: c.708T>G on transcript NM_001260.3 (MANE Select); coding-DNA position 708, T replaced by G.
Protein change: p.Cys236Trp; replaces cysteine 236 with tryptophan.
Molecular consequence: missense variant.
Genome position (GRCh38, 1-based): chr13:26,393,428, T>G. VCF-style: chr13-26393428-T-G. GRCh37 (hg19) VCF-style: chr13-26967565-T-G.
Other names: c.708T>G, p.Cys236Trp (NM_001318368.2); c.189T>G, p.Cys63Trp (NM_001346501.2); short protein forms C236W, C63W.
Identifiers: ClinVar variation 2580059 (VCV002580059.1), dbSNP rs1875846767, ClinGen allele CA387684666.

ClinVar aggregate classification (germline): Uncertain significance (1 of 4 stars; one submission).

Submission:

GeneDx
Classification: Uncertain significance. Last evaluated: 2023-03-17. Review status: criteria provided, single submitter. Criteria: GeneDx Variant Classification Process June 2021. Collection method: clinical testing. Allele origin: germline. Affected: yes.
Comment: Not observed at significant frequency in large population cohorts (gnomAD); In silico analysis supports that this missense variant has a deleterious effect on protein structure/function; Has not been previously published as pathogenic or benign to our knowledge